The following is an entry in ClinVar:

ClinVar aggregate classification (germline): Uncertain significance. Review status: criteria provided, multiple submitters, no conflicts (2 of 4 stars). 3 submissions from 3 submitters: Uncertain significance (3). Last evaluated 2024-11-21.

Conditions:
Hereditary cancer-predisposing syndrome. Also called: Hereditary neoplastic syndrome; Tumor predisposition; Neoplastic Syndromes, Hereditary; Hereditary Cancer Syndrome. Identifiers: Orphanet 140162, MedGen C0027672, MeSH D009386, MONDO:0015356.
Tuberous sclerosis 2 (TSC2). Identifiers: Orphanet 805, MedGen C1860707, MONDO:0013199, OMIM 613254.

Submissions (3):

GeneDx
Classification: Uncertain significance. Last evaluated: 2024-11-21. Review status: criteria provided, single submitter. Criteria: GeneDx Variant Classification Process June 2021. Collection method: clinical testing. Allele origin: germline. Affected: yes.
Comment: Not observed at significant frequency in large population cohorts (gnomAD); In silico analysis indicates that this missense variant does not alter protein structure/function; Has not been previously published as pathogenic or benign to our knowledge

Ambry Genetics
Classification: Uncertain significance for Hereditary cancer-predisposing syndrome. Last evaluated: 2023-06-09. Review status: criteria provided, single submitter. Criteria: Ambry Variant Classification Scheme 2023. Collection method: clinical testing. Allele origin: germline.
Comment: The p.S1774I variant (also known as c.5321G>T), located in coding exon 41 of the TSC2 gene, results from a G to T substitution at nucleotide position 5321. The serine at codon 1774 is replaced by isoleucine, an amino acid with dissimilar properties. This amino acid position is conserved. In addition, the in silico prediction for this alteration is inconclusive. Since supporting evidence is limited at this time, the clinical significance of this alteration remains unclear.

Labcorp Genetics (formerly Invitae), Labcorp
Classification: Uncertain significance for Tuberous sclerosis 2. Last evaluated: 2022-09-20. Review status: criteria provided, single submitter. Criteria: Invitae Variant Classification Sherloc (09022015). Collection method: clinical testing. Allele origin: germline.
Comment: This variant has not been reported in the literature in individuals affected with TSC2-related conditions. This variant is not present in population databases (gnomAD no frequency). This sequence change replaces serine, which is neutral and polar, with isoleucine, which is neutral and non-polar, at codon 1774 of the TSC2 protein (p.Ser1774Ile). Advanced modeling of protein sequence and biophysical properties (such as structural, functional, and spatial information, amino acid conservation, physicochemical variation, residue mobility, and thermodynamic stability) performed at Invitae indicates that this missense variant is not expected to disrupt TSC2 protein function. In summary, the available evidence is currently insufficient to determine the role of this variant in disease. Therefore, it has been classified as a Variant of Uncertain Significance. RNA analysis performed to evaluate the impact of this missense change on mRNA splicing indicates it does not significantly alter splicing (Invitae).

NM_000548.5(TSC2):c.5321G>T (p.Ser1774Ile)

Gene: TSC2 (TSC complex subunit 2; plus strand). Cytogenetic location: 16p13.3.
Variant type: single nucleotide variant.
Coding change: c.5321G>T on transcript NM_000548.5 (MANE Select); coding-DNA position 5321, G replaced by T.
Protein change: p.Ser1774Ile; replaces serine 1774 with isoleucine.
Molecular consequence: missense variant.
Genome position (GRCh38, 1-based): chr16:2,088,507, G>T. VCF-style: chr16-2088507-G-T. GRCh37 (hg19) VCF-style: chr16-2138508-G-T.
Other names: c.5120G>T, p.Ser1707Ile (NM_001077183.3); c.5252G>T, p.Ser1751Ile (NM_001114382.3); c.5012G>T, p.Ser1671Ile (NM_001318827.2); c.4976G>T, p.Ser1659Ile (NM_001318829.2); c.4589G>T, p.Ser1530Ile (NM_001318831.2); c.5153G>T, p.Ser1718Ile (NM_001318832.2); c.5123G>T, p.Ser1708Ile (NM_001363528.2); c.5189G>T, p.Ser1730Ile (NM_001370404.1); and 27 more; short protein forms S1173I, S1259I, S1260I, S1282I, S1283I, S1303I, S1507I, S1508I.
Identifiers: ClinVar variation 1719840 (VCV001719840.8), dbSNP rs9209, ClinGen allele CA394315512.